The following is an entry in ClinVar:

NM_199355.4(ADAMTS18):c.2070C>G (p.Asn690Lys)

Gene: ADAMTS18 (ADAM metallopeptidase with thrombospondin type 1 motif 18; minus strand). Cytogenetic location: 16q23.1.
Variant type: single nucleotide variant.
Coding change: c.2070C>G on transcript NM_199355.4 (MANE Select); coding-DNA position 2070, C replaced by G.
Protein change: p.Asn690Lys; replaces asparagine 690 with lysine.
Molecular consequence: missense variant.
Genome position (GRCh38, 1-based): chr16:77,322,429, G>C on the plus strand (C>G on the coding strand, the complement: ADAMTS18 is on the minus strand). VCF-style: chr16-77322429-G-C. GRCh37 (hg19) VCF-style: chr16-77356326-G-C.
Other names: c.2070C>G (NM_199355.2); c.1554C>G, p.Asn518Lys (NM_001326358.2); short protein forms N518K, N690K.
Identifiers: ClinVar variation 1006005 (VCV001006005.10), dbSNP rs147433320, ClinGen allele CA8181059.

ClinVar aggregate classification (germline): Uncertain significance. Review status: criteria provided, multiple submitters, no conflicts (2 of 4 stars). 2 submissions from 2 submitters: Uncertain significance (2). Last evaluated 2025-08-29.

Conditions:
Inborn genetic diseases. Identifiers: MedGen C0950123, MeSH D030342.

Allele frequency attached by ClinVar (database versions not stated): gnomAD 0.00005 and 0.00009; TOPMed 0.00006; gnomAD exomes 0.00007; ESP Exome Variant Server 0.00008.
gnomAD v4.1: 120 of 1,613,860 alleles (0.0074%); highest among the groups gnomAD compares: South Asian, 0.081%; no homozygotes.

Submissions (2):

Ambry Genetics
Classification: Uncertain significance for Inborn genetic diseases. Last evaluated: 2025-08-29. Review status: criteria provided, single submitter. Criteria: Ambry Variant Classification Scheme 2023. Collection method: clinical testing. Allele origin: germline.

Labcorp Genetics (formerly Invitae), Labcorp
Classification: Uncertain significance. Last evaluated: 2022-03-10. Review status: criteria provided, single submitter. Criteria: Invitae Variant Classification Sherloc (09022015). Collection method: clinical testing. Allele origin: germline.
Comment: This sequence change replaces asparagine, which is neutral and polar, with lysine, which is basic and polar, at codon 690 of the ADAMTS18 protein (p.Asn690Lys). This variant is present in population databases (rs147433320, gnomAD 0.04%). This variant has not been reported in the literature in individuals affected with ADAMTS18-related conditions. ClinVar contains an entry for this variant (Variation ID: 1006005). Algorithms developed to predict the effect of missense changes on protein structure and function output the following: SIFT: "Not Available"; PolyPhen-2: "Benign"; Align-GVGD: "Not Available". The lysine amino acid residue is found in multiple mammalian species, which suggests that this missense change does not adversely affect protein function. In summary, the available evidence is currently insufficient to determine the role of this variant in disease. Therefore, it has been classified as a Variant of Uncertain Significance.